The following is an entry in ClinVar:

NM_024675.4(PALB2):c.3412G>A (p.Ala1138Thr)

Gene: PALB2 (partner and localizer of BRCA2; minus strand). Cytogenetic location: 16p12.2.
Variant type: single nucleotide variant.
Coding change: c.3412G>A on transcript NM_024675.4 (MANE Select); coding-DNA position 3412, G replaced by A.
Protein change: p.Ala1138Thr; replaces alanine 1138 with threonine.
Molecular consequence: missense variant.
Genome position (GRCh38, 1-based): chr16:23,603,608, C>T on the plus strand (G>A on the coding strand, the complement: PALB2 is on the minus strand). VCF-style: chr16-23603608-C-T. GRCh37 (hg19) VCF-style: chr16-23614929-C-T.
Other names: short protein forms A1138T.
Identifiers: ClinVar variation 231889 (VCV000231889.27), dbSNP rs577651839, ClinGen allele CA7963343.

ClinVar aggregate classification (germline): Conflicting classifications of pathogenicity. Review status: criteria provided, conflicting classifications (1 of 4 stars). 10 submissions from 10 submitters: Uncertain significance (8); Likely benign (2). Last evaluated 2026-03-06.

Conditions:
Pancreatic cancer, susceptibility to, 3. Identifiers: Orphanet 1333, MedGen C3150547, MONDO:0013236, OMIM 613348.
Fanconi anemia complementation group N. Also called: PALB2-Related Fanconi Anemia. Identifiers: Orphanet 84, MedGen C1835817, MONDO:0012565, OMIM 610832. Disease mechanism: loss of function.
Breast-ovarian cancer, familial, susceptibility to, 5 (BROVCA5). Identifiers: MedGen C5830615, MONDO:0957530, OMIM 620442.
Hereditary cancer-predisposing syndrome. Also called: Tumor predisposition; Neoplastic Syndromes, Hereditary; Hereditary Cancer Syndrome; Hereditary neoplastic syndrome. Identifiers: Orphanet 140162, MedGen C0027672, MeSH D009386, MONDO:0015356.
Familial cancer of breast. Also called: BREAST CANCER, FAMILIAL; Hereditary breast cancer; hereditary breast carcinoma. Identifiers: Orphanet 227535, MedGen C0346153, MONDO:0016419, OMIM 114480. Disease mechanism: loss of function.

Allele frequency attached by ClinVar (database versions not stated): gnomAD exomes 0.00001 and 0.00002; ExAC 0.00002; TOPMed 0.00003; gnomAD 0.00005; 1000 Genomes Project 0.00020; 1000 Genomes Project 30x 0.00031.
gnomAD v4.1: 16 of 1,613,928 alleles (0.00099%); highest among the groups gnomAD compares: Admixed American, 0.02%; no homozygotes.

Submissions (10):

Women's Health and Genetics/Laboratory Corporation of America, LabCorp
Classification: Uncertain significance. Last evaluated: 2026-03-06. Review status: criteria provided, single submitter. Criteria: LabCorp Variant Classification Summary - May 2015. Collection method: clinical testing. Allele origin: germline.
Comment: Variant summary: PALB2 c.3412G>A (p.Ala1138Thr) results in a non-conservative amino acid change in the encoded protein sequence. Algorithms developed to predict the effect of missense changes on protein structure and function are either unavailable or do not agree on the potential impact of this missense change. The variant allele was found at a frequency of 2e-05 in 251466 control chromosomes, predominantly at a frequency of 0.00014 within the Latino subpopulation in the gnomAD database. The available data on variant occurrences in the general population are insufficient to allow any conclusion about variant significance. c.3412G>A has been observed in individual(s) affected with prostate Cancer (Paulo_2023). These report(s) do not provide unequivocal conclusions about association of the variant with Breast Cancer. At least one publication reports experimental evidence evaluating an impact on protein function. The most pronounced variant effect results in about 55% of normal BRCA2 binding activity (Gomes_2025). ClinVar contains an entry for this variant (Variation ID: 231889). Based on the evidence outlined above, the variant was classified as uncertain significance.

Color Diagnostics, LLC DBA Color Health
Classification: Likely benign for Hereditary cancer-predisposing syndrome. Last evaluated: 2025-12-16. Review status: criteria provided, single submitter. Criteria: ACMG Guidelines, 2015. Collection method: clinical testing. Allele origin: germline.

Labcorp Genetics (formerly Invitae), Labcorp
Classification: Uncertain significance for Familial cancer of breast. Last evaluated: 2025-11-09. Review status: criteria provided, single submitter. Criteria: Invitae Variant Classification Sherloc (09022015). Collection method: clinical testing. Allele origin: germline.
Comment: This sequence change replaces alanine, which is neutral and non-polar, with threonine, which is neutral and polar, at codon 1138 of the PALB2 protein (p.Ala1138Thr). This variant is present in population databases (rs577651839, gnomAD 0.01%). This missense change has been observed in individual(s) with prostate cancer (PMID: 37436117). ClinVar contains an entry for this variant (Variation ID: 231889). An algorithm developed to predict the effect of missense changes on protein structure and function (PolyPhen-2) suggests that this variant is likely to be disruptive. In summary, the available evidence is currently insufficient to determine the role of this variant in disease. Therefore, it has been classified as a Variant of Uncertain Significance.

Fulgent Genetics
Classification: Uncertain significance for Fanconi anemia complementation group N; Pancreatic cancer, susceptibility to, 3; Breast-ovarian cancer, familial, susceptibility to, 5. Last evaluated: 2024-06-21. Review status: criteria provided, single submitter. Criteria: ACMG Guidelines, 2015. Collection method: clinical testing. Allele origin: germline.

GeneDx
Classification: Uncertain significance. Last evaluated: 2024-02-11. Review status: criteria provided, single submitter. Criteria: GeneDx Variant Classification Process June 2021. Collection method: clinical testing. Allele origin: germline. Affected: yes.
Comment: Not observed at significant frequency in large population cohorts (gnomAD); In silico analysis supports that this missense variant has a deleterious effect on protein structure/function; This variant is associated with the following publications: (PMID: 24485656, 19609323, 20871615, 33471991)

Baylor Genetics
Classification: Uncertain significance for Familial cancer of breast. Last evaluated: 2024-01-12. Review status: criteria provided, single submitter. Criteria: ACMG Guidelines, 2015. Collection method: clinical testing. Allele origin: unknown.

Quest Diagnostics Nichols Institute San Juan Capistrano
Classification: Uncertain significance. Last evaluated: 2023-12-28. Review status: criteria provided, single submitter. Criteria: Quest Diagnostics criteria. Collection method: clinical testing. Allele origin: unknown.
Comment: The PALB2 c.3412G>A (p.Ala1138Thr) variant has been reported in the published literature in an individual with breast cancer (PMID: 33471991 (2021), see also LOVD). The frequency of this variant in the general population, 0.00014 (5/34592 chromosomes (Genome Aggregation Database)), is uninformative in the assessment of its pathogenicity. Analysis of this variant using bioinformatics tools for the prediction of the effect of amino acid changes on protein structure and function yielded predictions that this variant is damaging. Based on the available information, we are unable to determine the clinical significance of this variant.

Myriad Genetics, Inc.
Classification: Likely benign for Familial cancer of breast. Last evaluated: 2023-11-13. Review status: criteria provided, single submitter. Criteria: Myriad Autosomal Dominant, Autosomal Recessive and X-Linked Classification Criteria (2023). Collection method: clinical testing. Allele origin: unknown.
Comment: This variant is considered likely benign. This variant is strongly associated with less severe personal and family histories of cancer, typical for individuals without pathogenic variants in this gene [PMID: 25085752].

Ambry Genetics
Classification: Uncertain significance for Hereditary cancer-predisposing syndrome. Last evaluated: 2023-08-24. Review status: criteria provided, single submitter. Criteria: Ambry Variant Classification Scheme 2023. Collection method: clinical testing. Allele origin: germline.
Comment: The p.A1138T variant (also known as c.3412G>A), located in coding exon 13 of the PALB2 gene, results from a G to A substitution at nucleotide position 3412. The alanine at codon 1138 is replaced by threonine, an amino acid with similar properties. This amino acid position is highly conserved in available vertebrate species. In addition, this alteration is predicted to be tolerated by in silico analysis. Since supporting evidence is limited at this time, the clinical significance of this alteration remains unclear.

Sema4
Classification: Uncertain significance for Hereditary cancer-predisposing syndrome. Last evaluated: 2021-05-20. Review status: criteria provided, single submitter. Criteria: Sema4 Curation Guidelines. Collection method: curation. Allele origin: germline.
Comment: The PALB2 c.3412G>A (p.A1138T) variant has been reported in heterozygosity in at least one individual with breast cancer (PMID: 33471991). It was observed in 5/34592 chromosomes of the Latino subpopulation in the large and broad cohorts of the Genome Aggregation Database. The variant has been reported in ClinVar (Variation ID 231889). In silico tools suggest the impact of the variant on protein function is inconclusive, though these predictions have not been confirmed by functional studies. The evidence is insufficient to meet ACMG/AMP criteria for classifying the variant as benign or pathogenic. Thus, the clinical significance of this variant is currently uncertain.

Literature cited by the submitters: PubMed 37436117 (cited by Women's Health and Genetics/Laboratory Corporation of America, LabCorp and Labcorp Genetics (formerly Invitae), Labcorp); PubMed 41109346 (cited by Women's Health and Genetics/Laboratory Corporation of America, LabCorp); PubMed 33471991 (cited by Quest Diagnostics Nichols Institute San Juan Capistrano and Sema4); PubMed 25085752 (cited by Myriad Genetics, Inc.).